The following is an entry in ClinVar:

NM_173651.4(FSIP2):c.11791A>G (p.Asn3931Asp)

Gene: FSIP2 (fibrous sheath interacting protein 2; plus strand). Cytogenetic location: 2q32.1.
Variant type: single nucleotide variant.
Coding change: c.11791A>G on transcript NM_173651.4 (MANE Select); coding-DNA position 11791, A replaced by G.
Protein change: p.Asn3931Asp; replaces asparagine 3931 with aspartic acid.
Molecular consequence: missense variant.
Genome position (GRCh38, 1-based): chr2:185,801,097, A>G. VCF-style: chr2-185801097-A-G. GRCh37 (hg19) VCF-style: chr2-186665824-A-G.
Other names: short protein forms N3931D.
Identifiers: ClinVar variation 3059854 (VCV003059854.2), dbSNP rs11695215, ClinGen allele CA2016973.

ClinVar aggregate classification (germline): Benign (0 of 4 stars; one submission).

Conditions:
FSIP2-related disorder. Also called: FSIP2-related condition.

Allele frequency attached by ClinVar (database versions not stated): TOPMed 0.53226; 1000 Genomes Project 30x 0.53919; 1000 Genomes Project 0.54054; gnomAD exomes 0.54246; gnomAD 0.54438; ExAC 0.58633.
gnomAD v4.1: 830,516 of 1,530,878 alleles (54%); highest among the groups gnomAD compares: South Asian, 64%; 226,841 homozygotes.

Submission:

PreventionGenetics, part of Exact Sciences
Classification: Benign for FSIP2-related condition. Last evaluated: 2019-10-17. Review status: no assertion criteria provided. Collection method: clinical testing. Allele origin: germline.
Comment: This variant is classified as benign based on ACMG/AMP sequence variant interpretation guidelines (Richards et al. 2015 PMID: 25741868, with internal and published modifications).